The following is an entry in ClinVar:

ClinVar aggregate classification (germline): Uncertain significance. Review status: criteria provided, multiple submitters, no conflicts (2 of 4 stars). 4 submissions from 4 submitters: Uncertain significance (4). Last evaluated 2025-07-13.

Conditions:
Lynch syndrome. Identifiers: Orphanet 144, MedGen C4552100, MONDO:0005835. Disease mechanism: loss of function.
Hereditary nonpolyposis colorectal neoplasms. Identifiers: MedGen C0009405, MeSH D003123.
Hereditary cancer-predisposing syndrome. Also called: Tumor predisposition; Hereditary neoplastic syndrome; Neoplastic Syndromes, Hereditary; Hereditary Cancer Syndrome. Identifiers: Orphanet 140162, MedGen C0027672, MeSH D009386, MONDO:0015356.

Allele frequency attached by ClinVar (database versions not stated): gnomAD exomes below 0.00001; ExAC 0.00001.
gnomAD v4.1: 2 of 1,614,178 alleles (0.00012%); highest among the groups gnomAD compares: East Asian, 0.0022%; no homozygotes.

Submissions (4):

Ambry Genetics
Classification: Uncertain significance for Hereditary cancer-predisposing syndrome. Last evaluated: 2025-07-13. Review status: criteria provided, single submitter. Criteria: Ambry Variant Classification Scheme 2023. Collection method: clinical testing. Allele origin: germline.
Comment: The p.T395I variant (also known as c.1184C>T), located in coding exon 4 of the MSH6 gene, results from a C to T substitution at nucleotide position 1184. The threonine at codon 395 is replaced by isoleucine, an amino acid with similar properties. This amino acid position is well conserved in available vertebrate species. In addition, this alteration is predicted to be deleterious by in silico analysis. Since supporting evidence is limited at this time, the clinical significance of this alteration remains unclear.

Labcorp Genetics (formerly Invitae), Labcorp
Classification: Uncertain significance for Hereditary nonpolyposis colorectal neoplasms. Last evaluated: 2023-12-11. Review status: criteria provided, single submitter. Criteria: Invitae Variant Classification Sherloc (09022015). Collection method: clinical testing. Allele origin: germline.
Comment: This sequence change replaces threonine, which is neutral and polar, with isoleucine, which is neutral and non-polar, at codon 395 of the MSH6 protein (p.Thr395Ile). This variant is present in population databases (rs767658494, gnomAD 0.006%). This missense change has been observed in individual(s) with skin cancer or suspected Lynch syndrome (PMID: 26845104, 31391288). ClinVar contains an entry for this variant (Variation ID: 224579). Advanced modeling of protein sequence and biophysical properties (such as structural, functional, and spatial information, amino acid conservation, physicochemical variation, residue mobility, and thermodynamic stability) has been performed at Invitae for this missense variant, however the output from this modeling did not meet the statistical confidence thresholds required to predict the impact of this variant on MSH6 protein function. In summary, the available evidence is currently insufficient to determine the role of this variant in disease. Therefore, it has been classified as a Variant of Uncertain Significance.

GeneDx
Classification: Uncertain significance. Last evaluated: 2017-02-24. Review status: criteria provided, single submitter. Criteria: GeneDx Variant Classification (06012015). Collection method: clinical testing. Allele origin: germline. Affected: yes.
Comment: This variant is denoted MSH6 c.1184C>T at the cDNA level, p.Thr395Ile (T395I) at the protein level, and results in the change of a Threonine to an Isoleucine (ACA>ATA). This variant has been observed in at least one individual with skin cancer (Shirts 2016). MSH6 Thr395Ile was not observed in approximately 6,500 individuals of European and African American ancestry in the NHLBI Exome Sequencing Project, indicating it is not a common benign variant in these populations. Since Threonine and Isoleucine differ in polarity, charge, size or other properties, this is considered a non-conservative amino acid substitution. MSH6 Thr395Ile occurs at a position where amino acids with properties similar to Threonine are tolerated across species, and is located in the mismatch binding domain and nuclear localization signal domain (Warren 2007, Gassman 2011, Kansikas 2011). In silico analyses predict that this variant is probably damaging to protein structure and function. Based on currently available information, it is unclear whether MSH6 Thr395Ile is pathogenic or benign. We consider it to be a variant of uncertain significance.

University of Washington Department of Laboratory Medicine, University of Washington
Classification: Uncertain significance for Hereditary nonpolyposis colon cancer. Last evaluated: 2015-11-20. Review status: criteria provided, single submitter. Criteria: Shirts et al. (Genet Med 2016). Collection method: clinical testing. Allele origin: germline. Observed: 1 variant allele.

Literature cited by the submitters: PubMed 26845104 (cited by Labcorp Genetics (formerly Invitae), Labcorp); PubMed 31391288 (cited by Labcorp Genetics (formerly Invitae), Labcorp).

NM_000179.3(MSH6):c.1184C>T (p.Thr395Ile)

Gene: MSH6 (mutS homolog 6; plus strand). Cytogenetic location: 2p16.3.
Variant type: single nucleotide variant.
Coding change: c.1184C>T on transcript NM_000179.3 (MANE Select); coding-DNA position 1184, C replaced by T.
Protein change: p.Thr395Ile; replaces threonine 395 with isoleucine.
Molecular consequence: missense variant.
Genome position (GRCh38, 1-based): chr2:47,799,167, C>T. VCF-style: chr2-47799167-C-T. GRCh37 (hg19) VCF-style: chr2-48026306-C-T.
Other names: c.794C>T, p.Thr265Ile (NM_001281492.2); c.278C>T, p.Thr93Ile (NM_001281493.2, NM_001281494.2); short protein forms T395I, T265I, T93I.
Identifiers: ClinVar variation 224579 (VCV000224579.16), dbSNP rs767658494, ClinGen allele CA067284.